The following is an entry in ClinVar:

ClinVar aggregate classification (germline): Likely pathogenic (1 of 4 stars; one submission).

Conditions:
Cardiovascular phenotype. Identifiers: MedGen CN230736.

Submission:

Ambry Genetics
Classification: Likely pathogenic for Cardiovascular phenotype. Last evaluated: 2021-09-08. Review status: criteria provided, single submitter. Criteria: Ambry Variant Classification Scheme 2023. Collection method: clinical testing. Allele origin: germline.
Comment: The c.3919delG variant, located in coding exon 6 of the ALPK3 gene, results from a deletion of one nucleotide at nucleotide position 3919, causing a translational frameshift with a predicted alternate stop codon (p.A1307Pfs*29). This alteration is expected to result in loss of function by premature protein truncation or nonsense-mediated mRNA decay. Based on the majority of available evidence to date, this variant is likely to be pathogenic.

NM_020778.5(ALPK3):c.3313del (p.Ala1105fs)

Gene: ALPK3 (alpha kinase 3; plus strand). Cytogenetic location: 15q25.3.
Variant type: Deletion.
Coding change: c.3313del on transcript NM_020778.5 (MANE Select); coding-DNA position 3313, one base deleted (G; older notation c.3313delG).
Protein change: p.Ala1105fs; shifts the reading frame from alanine 1105.
Molecular consequence: frameshift variant.
Genome position (GRCh38, 1-based): chr15:84,858,051, G deleted; the last of 5 consecutive G bases (chr15:84,858,047-84,858,051); deleting any one gives the same sequence. VCF-style (leftmost placement, unchanged base first): chr15-84858046-TG-T. GRCh37 (hg19) VCF-style: chr15-85401277-TG-T.
Other names: short protein forms A1105fs.
Identifiers: ClinVar variation 1736167 (VCV001736167.2), dbSNP rs2505721718, ClinGen allele CA2580090120.